The following is an entry in ClinVar:

ClinVar aggregate classification (germline): Uncertain significance (1 of 4 stars; one submission).

gnomAD v4.1: 8 of 1,614,056 alleles (0.0005%); highest among the groups gnomAD compares: Admixed American, 0.0017%; no homozygotes.

Submission:

Labcorp Genetics (formerly Invitae), Labcorp
Classification: Uncertain significance. Last evaluated: 2024-03-02. Review status: criteria provided, single submitter. Criteria: Invitae Variant Classification Sherloc (09022015). Collection method: clinical testing. Allele origin: germline.
Comment: This sequence change replaces threonine, which is neutral and polar, with arginine, which is basic and polar, at codon 1780 of the MTOR protein (p.Thr1780Arg). This variant is present in population databases (no rsID available, gnomAD 0.1%). This variant has not been reported in the literature in individuals affected with MTOR-related conditions. Advanced modeling of protein sequence and biophysical properties (such as structural, functional, and spatial information, amino acid conservation, physicochemical variation, residue mobility, and thermodynamic stability) performed at Invitae indicates that this missense variant is not expected to disrupt MTOR protein function with a negative predictive value of 95%. In summary, the available evidence is currently insufficient to determine the role of this variant in disease. Therefore, it has been classified as a Variant of Uncertain Significance.

NM_004958.4(MTOR):c.5339C>G (p.Thr1780Arg)

Gene: MTOR (mechanistic target of rapamycin kinase; minus strand). Cytogenetic location: 1p36.22.
Variant type: single nucleotide variant.
Coding change: c.5339C>G on transcript NM_004958.4 (MANE Select); coding-DNA position 5339, C replaced by G.
Protein change: p.Thr1780Arg; replaces threonine 1780 with arginine.
Molecular consequence: missense variant.
Genome position (GRCh38, 1-based): chr1:11,133,105, G>C on the plus strand (C>G on the coding strand, the complement: MTOR is on the minus strand). VCF-style: chr1-11133105-G-C. GRCh37 (hg19) VCF-style: chr1-11193162-G-C.
Other names: c.5339C>G, p.Thr1780Arg (NM_001386500.1); c.4091C>G, p.Thr1364Arg (NM_001386501.1); short protein forms T1364R, T1780R.
Identifiers: ClinVar variation 3632183 (VCV003632183.2).